The following is an entry in ClinVar:

ClinVar aggregate classification (germline): Likely pathogenic (1 of 4 stars; one submission).

Conditions:
TMEM126B-related disorder. Also called: TMEM126B-related condition.

Submission:

PreventionGenetics, part of Exact Sciences
Classification: Likely pathogenic for TMEM126B-related condition. Last evaluated: 2024-12-11. Review status: criteria provided, single submitter. Criteria: ACMG Guidelines, 2015. Collection method: clinical testing. Allele origin: germline.
Comment: The TMEM126B c.439_442dupATTG variant is predicted to result in a frameshift and premature protein termination (p.Gly148Aspfs*17). To our knowledge, this variant has not been reported in the literature or in a large population database (gnomAD), indicating this variant is rare. Frameshift variants in TMEM126B are expected to be pathogenic. This variant is interpreted as likely pathogenic.

NM_018480.7(TMEM126B):c.439_442dup (p.Gly148fs)

Gene: TMEM126B (transmembrane protein 126B; plus strand). Cytogenetic location: 11q14.1.
Variant type: Duplication.
Coding change: c.439_442dup on transcript NM_018480.7 (MANE Select); coding-DNA positions 439 to 442, 4 bases duplicated (ATTG; older notation c.439_442dupATTG).
Protein change: p.Gly148fs; shifts the reading frame from glycine 148.
Molecular consequence: frameshift variant. On other transcripts: non-coding transcript variant (2).
Genome position (GRCh38, 1-based): chr11:85,635,708-85,635,711, ATTG duplicated; duplicating any 4 consecutive bases within chr11:85,635,706-85,635,711 gives the same sequence; the c. name uses the placement nearest the transcript's 3' end. VCF-style (leftmost placement, unchanged base first): chr11-85635705-C-CTGAT. GRCh37 (hg19) VCF-style: chr11-85346749-C-CTGAT.
Other names: c.379_382dup, p.Gly128fs (NM_001193537.3); c.349_352dup, p.Gly118fs (NM_001193538.3, NM_001256546.2); c.301_304dup, p.Gly102fs (NM_001256547.2); c.214_217dup, p.Gly73fs (NM_001350393.1); short protein forms G118fs, G148fs, G73fs, G102fs, G128fs.
Identifiers: ClinVar variation 4980818 (VCV004980818.1).